The following is an entry in ClinVar:

NM_000116.5(TAFAZZIN):c.697C>T (p.Gln233Ter)

Gene: TAFAZZIN (tafazzin, phospholipid-lysophospholipid transacylase; plus strand). Cytogenetic location: Xq28.
Variant type: single nucleotide variant.
Coding change: c.697C>T on transcript NM_000116.5 (MANE Select); coding-DNA position 697, C replaced by T.
Protein change: p.Gln233Ter; replaces glutamine 233 with a stop codon.
Molecular consequence: nonsense. On other transcripts: non-coding transcript variant (1).
Genome position (GRCh38, 1-based): chrX:154,420,262, C>T. VCF-style: chrX-154420262-C-T. GRCh37 (hg19) VCF-style: chrX-153648601-C-T.
Other names: c.709C>T, p.Gln237Ter (NM_001303465.2); c.607C>T, p.Gln203Ter (NM_181311.4); c.655C>T, p.Gln219Ter (NM_181312.4); c.565C>T, p.Gln189Ter (NM_181313.4); short protein forms Q203*, Q233*, Q189*, Q219*, Q237*.
Identifiers: ClinVar variation 662186 (VCV000662186.7), dbSNP rs1603381860, ClinGen allele CA415185269.
Genomic context (GRCh38, chrX:154,420,262, plus strand): 5'-TGTGCTGCAGGAATGAATGACGTCCTTCCTAACAGTCCGCCCTACTTCCCCCGCTTTGGA[C>T]AGGTGGGTGGGGACTGCTGACCTTCGGCTGTCTGCCTGTCTGCTGTCTGCTCCGTGTCTC-3'

ClinVar aggregate classification (germline): Pathogenic. Review status: criteria provided, single submitter (1 of 4 stars). 2 submissions from 2 submitters: Pathogenic (1). 1 of the submissions does not count toward it. Last evaluated 2018-12-22.

Conditions:
3-Methylglutaconic aciduria type 2 (BTHS). Also called: CARDIOSKELETAL MYOPATHY WITH NEUTROPENIA AND ABNORMAL MITOCHONDRIA; Barth syndrome. Identifiers: Orphanet 111, MedGen C0574083, MONDO:0010543, OMIM 302060.
TAFAZZIN-related disorder. Also called: TAFAZZIN-Related Disorders; TAFAZZIN-related condition.

Submissions (4):

Labcorp Genetics (formerly Invitae), Labcorp
Classification: Pathogenic for 3-Methylglutaconic aciduria type 2. Last evaluated: 2018-12-22. Review status: criteria provided, single submitter. Criteria: Invitae Variant Classification Sherloc (09022015). Collection method: clinical testing. Allele origin: germline.
Comment: This sequence change creates a premature translational stop signal (p.Gln233*) in the TAZ gene. It is expected to result in an absent or disrupted protein product. This variant is not present in population databases (ExAC no frequency). This variant has been observed in an individual affected with Barth syndrome (PMID: 9345098). Loss-of-function variants in TAZ are known to be pathogenic (PMID: 16427346, 22382802, 23409742). For these reasons, this variant has been classified as Pathogenic.

PreventionGenetics, part of Exact Sciences
Classification: Pathogenic for TAFAZZIN-related condition. Last evaluated: 2024-06-25. Review status: no assertion criteria provided. Collection method: clinical testing. Allele origin: germline. Not counted in ClinVar's aggregate classification.
Comment: The TAFAZZIN c.697C>T variant is predicted to result in premature protein termination (p.Gln233*). This variant has been reported in an individual with Barth syndrome (Johnston et al. 1997. PubMed ID: 9345098). This variant has not been reported in a large population database, indicating this variant is rare. Nonsense variants in TAFAZZIN are expected to be pathogenic. This variant is interpreted as pathogenic.

Dr. Peter K. Rogan Lab, Western University
No classification provided (evidence only). Condition: Thyroid cancer, nonmedullary, 1. Review status: no classification provided. Collection method: in vitro. Allele origin: not applicable. Functional consequence: retained intron. Not counted in ClinVar's aggregate classification.

Dr. Peter K. Rogan Lab, Western University
No classification provided (evidence only). Condition: Thyroid cancer, nonmedullary, 1. Review status: no classification provided. Collection method: in vitro. Allele origin: not applicable. Functional consequence: skipped exon. Not counted in ClinVar's aggregate classification.

Literature cited by the submitters: PubMed 9345098 (cited by Labcorp Genetics (formerly Invitae), Labcorp); PubMed 16427346 (cited by Labcorp Genetics (formerly Invitae), Labcorp); PubMed 22382802 (cited by Labcorp Genetics (formerly Invitae), Labcorp); PubMed 23409742 (cited by Labcorp Genetics (formerly Invitae), Labcorp).